The following is an entry in ClinVar:

ClinVar aggregate classification (germline): Likely benign (1 of 4 stars; one submission).

Allele frequency attached by ClinVar (database versions not stated): TOPMed 0.00002; gnomAD 0.00003; ExAC 0.00002; gnomAD exomes 0.00002.

Submission:

CeGaT Center for Human Genetics Tuebingen
Classification: Likely benign. Last evaluated: 2022-12-01. Review status: criteria provided, single submitter. Criteria: CeGaT Center For Human Genetics Tuebingen Variant Classification Criteria Version 2. Collection method: clinical testing. Allele origin: germline. Affected: yes. Observed: 1 variant allele.
Comment: ATP1B4: BS2

NM_001142447.3(ATP1B4):c.838C>T (p.Arg280Ter)

Gene: ATP1B4 (ATPase Na+/K+ transporting family member beta 4; plus strand). Cytogenetic location: Xq24.
Variant type: single nucleotide variant.
Coding change: c.838C>T on transcript NM_001142447.3 (MANE Select); coding-DNA position 838, C replaced by T.
Protein change: p.Arg280Ter; replaces arginine 280 with a stop codon.
Molecular consequence: nonsense.
Genome position (GRCh38, 1-based): chrX:120,378,699, C>T. VCF-style: chrX-120378699-C-T. GRCh37 (hg19) VCF-style: chrX-119512554-C-T.
Other names: c.826C>T, p.Arg276Ter (NM_012069.5); short protein forms R276*, R280*.
Identifiers: ClinVar variation 2661323 (VCV002661323.24), dbSNP rs776011900, ClinGen allele CA10505089.